The following is an entry in ClinVar:

ClinVar aggregate classification (germline): Uncertain significance (1 of 4 stars; one submission).

Submission:

Labcorp Genetics (formerly Invitae), Labcorp
Classification: Uncertain significance. Last evaluated: 2025-12-06. Review status: criteria provided, single submitter. Criteria: Invitae Variant Classification Sherloc (09022015). Collection method: clinical testing. Allele origin: germline.
Comment: This sequence change replaces alanine, which is neutral and non-polar, with proline, which is neutral and non-polar, at codon 624 of the CLTC protein (p.Ala624Pro). This variant is not present in population databases (gnomAD no frequency). This variant has not been reported in the literature in individuals affected with CLTC-related conditions. Invitae Evidence Modeling of protein sequence and biophysical properties (such as structural, functional, and spatial information, amino acid conservation, physicochemical variation, residue mobility, and thermodynamic stability) indicates that this missense variant is expected to disrupt CLTC protein function with a positive predictive value of 80%. In summary, the available evidence is currently insufficient to determine the role of this variant in disease. Therefore, it has been classified as a Variant of Uncertain Significance.

NM_004859.4(CLTC):c.1858G>C (p.Ala620Pro)

Gene: CLTC (clathrin heavy chain; plus strand). Cytogenetic location: 17q23.1.
Variant type: single nucleotide variant.
Coding change: c.1858G>C on transcript NM_004859.4 (MANE Select); coding-DNA position 1858, G replaced by C.
Protein change: p.Ala620Pro; replaces alanine 620 with proline.
Molecular consequence: missense variant.
Genome position (GRCh38, 1-based): chr17:59,666,555, G>C. VCF-style: chr17-59666555-G-C. GRCh37 (hg19) VCF-style: chr17-57743916-G-C.
Other names: c.1870G>C, p.Ala624Pro (NM_001288653.2); short protein forms A620P, A624P.
Identifiers: ClinVar variation 4743128 (VCV004743128.1).